The following is an entry in ClinVar:

ClinVar aggregate classification (germline): Uncertain significance (1 of 4 stars; one submission).

Allele frequency attached by ClinVar (database versions not stated): ExAC 0.00002; gnomAD 0.00002; TOPMed 0.00005; 1000 Genomes Project 30x 0.00016; 1000 Genomes Project 0.00020.

Submission:

Labcorp Genetics (formerly Invitae), Labcorp
Classification: Uncertain significance. Last evaluated: 2025-03-31. Review status: criteria provided, single submitter. Criteria: Invitae Variant Classification Sherloc (09022015). Collection method: clinical testing. Allele origin: germline.
Comment: This sequence change replaces cysteine, which is neutral and slightly polar, with tyrosine, which is neutral and polar, at codon 518 of the ITGA8 protein (p.Cys518Tyr). This variant also falls at the last nucleotide of exon 15, which is part of the consensus splice site for this exon. This variant is present in population databases (rs186867501, gnomAD 0.009%). This variant has not been reported in the literature in individuals affected with ITGA8-related conditions. ClinVar contains an entry for this variant (Variation ID: 2081657). An algorithm developed to predict the effect of missense changes on protein structure and function (PolyPhen-2) suggests that this variant is likely to be disruptive. Variants that disrupt the consensus splice site are a relatively common cause of aberrant splicing (PMID: 17576681, 9536098). Algorithms developed to predict the effect of sequence changes on RNA splicing suggest that this variant may disrupt the consensus splice site. In summary, the available evidence is currently insufficient to determine the role of this variant in disease. Therefore, it has been classified as a Variant of Uncertain Significance.

Literature cited by the submitters: PubMed 17576681; PubMed 9536098.

NM_003638.3(ITGA8):c.1553G>A (p.Cys518Tyr)

Gene: ITGA8 (integrin subunit alpha 8; minus strand). Cytogenetic location: 10p13.
Variant type: single nucleotide variant.
Coding change: c.1553G>A on transcript NM_003638.3 (MANE Select); coding-DNA position 1553, G replaced by A.
Protein change: p.Cys518Tyr; replaces cysteine 518 with tyrosine.
Molecular consequence: missense variant.
Genome position (GRCh38, 1-based): chr10:15,613,660, C>T on the plus strand (G>A on the coding strand, the complement: ITGA8 is on the minus strand). VCF-style: chr10-15613660-C-T. GRCh37 (hg19) VCF-style: chr10-15655659-C-T.
Other names: c.1508G>A, p.Cys503Tyr (NM_001291494.2); short protein forms C518Y, C503Y.
Identifiers: ClinVar variation 2081657 (VCV002081657.4), dbSNP rs186867501, ClinGen allele CA5420182.
Genomic context (GRCh38, chr10:15,613,660, plus strand): 5'-ACAAGATACCCAGGTGATGTGAATTCACATTGGAGTTTGAGAAGCACCGGACTAACTCAC[C>T]AGGCAGCAGATGTCATAGAGTCTGGAACCTGGCAAGTTTTATTTTCAAGATTGATAATCA-3'
Protein context (NP_003629.2, residues 508-528): QVPDSMTSAA[Cys518Tyr]FSLRVCASVT